The following is an entry in ClinVar:

NC_000023.10:g.(?_107807092)_(107898707_?)del

Gene: COL4A5 (collagen type IV alpha 5 chain; plus strand). Cytogenetic location: Xq22.3.
Variant type: Deletion.
Identifiers: ClinVar variation 2423174 (VCV002423174.4).

ClinVar aggregate classification (germline): Pathogenic (1 of 4 stars; one submission).

Submission:

Labcorp Genetics (formerly Invitae), Labcorp
Classification: Pathogenic. Last evaluated: 2022-07-14. Review status: criteria provided, single submitter. Criteria: Invitae Variant Classification Sherloc (09022015). Collection method: clinical testing. Allele origin: germline.
Comment: For these reasons, this variant has been classified as Pathogenic. A similar copy number variant has been observed in individual(s) with Alport syndrome (PMID: 30577881). This variant is a gross deletion of the genomic region encompassing exon(s) 4-37 of the COL4A5 gene. This deletion is out-of-frame, and is expected to create a premature termination codon and result in an absent or disrupted protein product. Loss-of-function variants in COL4A5 are known to be pathogenic (PMID: 9195222, 10752524, 14514738, 24854265, 26809805).

Literature cited by the submitters: PubMed 30577881; PubMed 9195222; PubMed 10752524; PubMed 14514738; PubMed 24854265; PubMed 26809805.